The following is an entry in ClinVar:

ClinVar aggregate classification (germline): Uncertain significance (1 of 4 stars; one submission).

Conditions:
5-Oxoprolinase deficiency (OPLAHD). Also called: 5-OXOPROLINURIA DUE TO 5-OXOPROLINASE DEFICIENCY. Identifiers: Orphanet 33572, MedGen C0268525, MONDO:0009825, OMIM 260005, HP:0040142.

Submission:

Labcorp Genetics (formerly Invitae), Labcorp
Classification: Uncertain significance for 5-Oxoprolinase deficiency. Last evaluated: 2019-11-27. Review status: criteria provided, single submitter. Criteria: Invitae Variant Classification Sherloc (09022015). Collection method: clinical testing. Allele origin: germline.
Comment: In summary, the available evidence is currently insufficient to determine the role of this variant in disease. Therefore, it has been classified as a Variant of Uncertain Significance. Algorithms developed to predict the effect of missense changes on protein structure and function (SIFT, PolyPhen-2, Align-GVGD) all suggest that this variant is likely to be tolerated, but these predictions have not been confirmed by published functional studies and their clinical significance is uncertain. This variant has not been reported in the literature in individuals with OPLAH-related conditions. This variant is not present in population databases (ExAC no frequency). This sequence change replaces aspartic acid with glutamic acid at codon 560 of the OPLAH protein (p.Asp560Glu). The aspartic acid residue is weakly conserved and there is a small physicochemical difference between aspartic acid and glutamic acid.

NM_017570.5(OPLAH):c.1680T>G (p.Asp560Glu)

Gene: OPLAH (5-oxoprolinase, ATP-hydrolysing; minus strand). Cytogenetic location: 8q24.3.
Variant type: single nucleotide variant.
Coding change: c.1680T>G on transcript NM_017570.5 (MANE Select); coding-DNA position 1680, T replaced by G.
Protein change: p.Asp560Glu; replaces aspartic acid 560 with glutamic acid.
Molecular consequence: missense variant.
Genome position (GRCh38, 1-based): chr8:144,056,974, A>C on the plus strand (T>G on the coding strand, the complement: OPLAH is on the minus strand). VCF-style: chr8-144056974-A-C. GRCh37 (hg19) VCF-style: chr8-145111877-A-C.
Other names: short protein forms D560E.
Identifiers: ClinVar variation 851753 (VCV000851753.5), dbSNP rs1564291499, ClinGen allele CA372559234.
Genomic context (GRCh38, chr8:144,056,974, plus strand): 5'-TAAGCCCTCTGTCCAGGGCACCCTGGGAGCCCACCTGGGGAAGCCCTGGGCCTGCAGAGC[A>C]TCCACACACTGCTCCTCCAGGCGGCTCAGCCTCTGGTCCAGCTGCACGAAGGTCTCAGGC-3'
Protein context (NP_060040.1, residues 550-570): RLSRLEEQCV[Asp560Glu]ALQAQGFPRS